The following is an entry in ClinVar:

NM_006206.6(PDGFRA):c.1449C>T (p.Thr483=)

Gene: PDGFRA (platelet derived growth factor receptor alpha; plus strand). Cytogenetic location: 4q12.
Variant type: single nucleotide variant.
Coding change: c.1449C>T on transcript NM_006206.6 (MANE Select); coding-DNA position 1449, C replaced by T.
Protein change: p.Thr483=; no amino-acid change (threonine 483 retained).
Molecular consequence: synonymous variant.
Genome position (GRCh38, 1-based): chr4:54,273,621, C>T. VCF-style: chr4-54273621-C-T. GRCh37 (hg19) VCF-style: chr4-55139788-C-T.
Other names: c.1449C>T, p.Thr483= (NM_001347827.2, NM_001347829.2); c.1524C>T, p.Thr508= (NM_001347828.2); c.1488C>T, p.Thr496= (NM_001347830.2); c.1449C>T (NM_006206.5).
Identifiers: ClinVar variation 414504 (VCV000414504.16), dbSNP rs759936321, ClinGen allele CA2922571.

ClinVar aggregate classification (germline): Benign/Likely benign. Review status: criteria provided, multiple submitters, no conflicts (2 of 4 stars). 4 submissions from 4 submitters: Benign (1); Likely benign (2). 1 of the submissions does not count toward it. Last evaluated 2026-06-17.

Conditions:
Hereditary cancer-predisposing syndrome. Also called: Neoplastic Syndromes, Hereditary; Hereditary Cancer Syndrome; Hereditary neoplastic syndrome; Tumor predisposition. Identifiers: Orphanet 140162, MedGen C0027672, MeSH D009386, MONDO:0015356.
Polyps, multiple and recurrent inflammatory fibroid, gastrointestinal. Identifiers: MedGen C5193005, MONDO:0008285, OMIM 175510.
Gastrointestinal stromal tumor. Also called: Gastrointestinal stroma tumor; Gastrointestinal stromal tumor, somatic. Identifiers: Orphanet 44890, MedGen C0238198, MeSH D046152, MONDO:0011719, OMIM 606764, HP:0100723.
PDGFRA-related disorder. Also called: PDGFRA-related condition.

Allele frequency attached by ClinVar (database versions not stated): ExAC 0.00001; gnomAD exomes 0.00001 and 0.00002; gnomAD 0.00002; TOPMed 0.00002.
gnomAD v4.1: 34 of 1,613,872 alleles (0.0021%); highest among the groups gnomAD compares: Non-Finnish European, 0.0026%; no homozygotes.

Submissions (4):

Myriad Genetics, Inc.
Classification: Benign for Polyps, multiple and recurrent inflammatory fibroid, gastrointestinal. Last evaluated: 2026-06-17. Review status: criteria provided, single submitter. Criteria: Myriad Autosomal Dominant, Autosomal Recessive and X-Linked Classification Criteria (2023). Collection method: clinical testing. Allele origin: unknown.
Comment: This variant is considered benign. This variant is a silent/synonymous amino acid change and it is not expected to impact splicing.

Labcorp Genetics (formerly Invitae), Labcorp
Classification: Likely benign for Gastrointestinal stromal tumor. Last evaluated: 2026-02-03. Review status: criteria provided, single submitter. Criteria: Invitae Variant Classification Sherloc (09022015). Collection method: clinical testing. Allele origin: germline.

Ambry Genetics
Classification: Likely benign for Hereditary cancer-predisposing syndrome. Last evaluated: 2022-02-24. Review status: criteria provided, single submitter. Criteria: Ambry Variant Classification Scheme 2023. Collection method: clinical testing. Allele origin: germline.

PreventionGenetics, part of Exact Sciences
Classification: Likely benign for PDGFRA-related condition. Last evaluated: 2024-04-18. Review status: no assertion criteria provided. Collection method: clinical testing. Allele origin: germline. Not counted in ClinVar's aggregate classification.
Comment: This variant is classified as likely benign based on ACMG/AMP sequence variant interpretation guidelines (Richards et al. 2015 PMID: 25741868, with internal and published modifications).